The following is an entry in ClinVar:

ClinVar aggregate classification (germline): Uncertain significance. Review status: criteria provided, multiple submitters, no conflicts (2 of 4 stars). 2 submissions from 2 submitters: Uncertain significance (2). Last evaluated 2025-05-28.

Conditions:
Inborn genetic diseases. Identifiers: MedGen C0950123, MeSH D030342.

Submissions (2):

Labcorp Genetics (formerly Invitae), Labcorp
Classification: Uncertain significance. Last evaluated: 2025-05-28. Review status: criteria provided, single submitter. Criteria: Invitae Variant Classification Sherloc (09022015). Collection method: clinical testing. Allele origin: germline.
Comment: This sequence change replaces serine, which is neutral and polar, with glycine, which is neutral and non-polar, at codon 201 of the MBD4 protein (p.Ser201Gly). This variant is not present in population databases (gnomAD no frequency). This variant has not been reported in the literature in individuals affected with MBD4-related conditions. ClinVar contains an entry for this variant (Variation ID: 3543782). An algorithm developed to predict the effect of missense changes on protein structure and function outputs the following: PolyPhen-2: "Benign". The glycine amino acid residue is found in multiple mammalian species, which suggests that this missense change does not adversely affect protein function. In summary, the available evidence is currently insufficient to determine the role of this variant in disease. Therefore, it has been classified as a Variant of Uncertain Significance.

Ambry Genetics
Classification: Uncertain significance for Inborn genetic diseases. Last evaluated: 2024-11-27. Review status: criteria provided, single submitter. Criteria: Ambry Variant Classification Scheme 2023. Collection method: clinical testing. Allele origin: germline.
Comment: The p.S201G variant (also known as c.601A>G), located in coding exon 3 of the MBD4 gene, results from an A to G substitution at nucleotide position 601. The serine at codon 201 is replaced by glycine, an amino acid with similar properties. This amino acid position is conserved. In addition, this alteration is predicted to be tolerated by in silico analysis. Based on the available evidence, the clinical significance of this variant remains unclear.

NM_001276270.2(MBD4):c.601A>G (p.Ser201Gly)

Gene: MBD4 (methyl-CpG binding domain 4, DNA glycosylase; minus strand). Cytogenetic location: 3q21.3.
Variant type: single nucleotide variant.
Coding change: c.601A>G on transcript NM_001276270.2 (MANE Select); coding-DNA position 601, A replaced by G.
Protein change: p.Ser201Gly; replaces serine 201 with glycine.
Molecular consequence: missense variant. On other transcripts: intron variant (1).
Genome position (GRCh38, 1-based): chr3:129,437,043, T>C on the plus strand (A>G on the coding strand, the complement: MBD4 is on the minus strand). VCF-style: chr3-129437043-T-C. GRCh37 (hg19) VCF-style: chr3-129155886-T-C.
Other names: c.601A>G, p.Ser201Gly (NM_001276271.2, NM_001276272.2, NM_003925.3); c.247+765A>G (NM_001276273.2); short protein forms S201G.
Identifiers: ClinVar variation 3543782 (VCV003543782.2).